The following is an entry in ClinVar:

NM_001164508.2(NEB):c.6954C>G (p.His2318Gln)

Gene: NEB (nebulin; minus strand). Cytogenetic location: 2q23.3.
Variant type: single nucleotide variant.
Coding change: c.6954C>G on transcript NM_001164508.2 (MANE Select); coding-DNA position 6954, C replaced by G.
Protein change: p.His2318Gln; replaces histidine 2318 with glutamine.
Molecular consequence: missense variant.
Genome position (GRCh38, 1-based): chr2:151,650,847, G>C on the plus strand (C>G on the coding strand, the complement: NEB is on the minus strand). VCF-style: chr2-151650847-G-C. GRCh37 (hg19) VCF-style: chr2-152507361-G-C.
Other names: c.6954C>G, p.His2318Gln (NM_001164507.2, NM_001271208.2, NM_004543.5); short protein forms H2318Q.
Identifiers: ClinVar variation 2008934 (VCV002008934.4), dbSNP rs2552249984, ClinGen allele CA348791215.

ClinVar aggregate classification (germline): Uncertain significance (1 of 4 stars; one submission).

Conditions:
Nemaline myopathy 2 (NEM2). Also called: Nemaline myopathy 2, autosomal recessive. Identifiers: MedGen C1850569, MONDO:0009725, OMIM 256030.

Submission:

Labcorp Genetics (formerly Invitae), Labcorp
Classification: Uncertain significance for Nemaline myopathy 2. Last evaluated: 2022-06-22. Review status: criteria provided, single submitter. Criteria: Invitae Variant Classification Sherloc (09022015). Collection method: clinical testing. Allele origin: germline.
Comment: This sequence change replaces histidine, which is basic and polar, with glutamine, which is neutral and polar, at codon 2318 of the NEB protein (p.His2318Gln). This variant is not present in population databases (gnomAD no frequency). This variant has not been reported in the literature in individuals affected with NEB-related conditions. Algorithms developed to predict the effect of missense changes on protein structure and function are either unavailable or do not agree on the potential impact of this missense change (SIFT: "Deleterious"; PolyPhen-2: "Not Available"; Align-GVGD: "Class C0"). In summary, the available evidence is currently insufficient to determine the role of this variant in disease. Therefore, it has been classified as a Variant of Uncertain Significance.